The following is an entry in ClinVar:

NM_178170.3(NEK8):c.581A>C (p.Tyr194Ser)

Gene: NEK8 (NIMA related kinase 8; plus strand). Cytogenetic location: 17q11.2.
Variant type: single nucleotide variant.
Coding change: c.581A>C on transcript NM_178170.3 (MANE Select); coding-DNA position 581, A replaced by C.
Protein change: p.Tyr194Ser; replaces tyrosine 194 with serine.
Molecular consequence: missense variant.
Genome position (GRCh38, 1-based): chr17:28,735,334, A>C. VCF-style: chr17-28735334-A-C. GRCh37 (hg19) VCF-style: chr17-27062352-A-C.
Other names: short protein forms Y194S.
Identifiers: ClinVar variation 407080 (VCV000407080.5), dbSNP rs1060501399, ClinGen allele CA16615399.

ClinVar aggregate classification (germline): Uncertain significance (1 of 4 stars; one submission).

Conditions:
Nephronophthisis 9 (NPHP9). Identifiers: Orphanet 655, MedGen C3151188, MONDO:0013444, OMIM 613824.

Allele frequency attached by ClinVar (database versions not stated): gnomAD exomes 0.00001.
gnomAD v4.1: 5 of 1,614,064 alleles (0.00031%); highest among the groups gnomAD compares: Non-Finnish European, 0.00042%; no homozygotes.

Submission:

Labcorp Genetics (formerly Invitae), Labcorp
Classification: Uncertain significance for Nephronophthisis 9. Last evaluated: 2016-08-16. Review status: criteria provided, single submitter. Criteria: Invitae Variant Classification Sherloc (09022015). Collection method: clinical testing. Allele origin: germline.
Comment: Algorithms developed to predict the effect of missense changes on protein structure and function (SIFT, PolyPhen-2, Align-GVGD) all suggest that this variant is likely to be disruptive, but these predictions have not been confirmed by published functional studies. This variant is not present in population databases (ExAC no frequency) and has not been reported in the literature in individuals with a NEK8-related disease. This sequence change replaces tyrosine with serine at codon 194 of the NEK8 protein (p.Tyr194Ser). The tyrosine residue is highly conserved and there is a large physicochemical difference between tyrosine and serine. In summary, this variant is a novel missense change with uncertain impact on protein function. It has been classified as a Variant of Uncertain Significance.